The following is an entry in ClinVar:

NM_015041.3(CLUAP1):c.1169C>A (p.Ser390Tyr)

Gene: CLUAP1 (clusterin associated protein 1; plus strand). Cytogenetic location: 16p13.3.
Variant type: single nucleotide variant.
Coding change: c.1169C>A on transcript NM_015041.3 (MANE Select); coding-DNA position 1169, C replaced by A.
Protein change: p.Ser390Tyr; replaces serine 390 with tyrosine.
Molecular consequence: missense variant.
Genome position (GRCh38, 1-based): chr16:3,536,198, C>A. VCF-style: chr16-3536198-C-A. GRCh37 (hg19) VCF-style: chr16-3586198-C-A.
Other names: c.1226C>A, p.Ser409Tyr (NM_001330454.2); c.671C>A, p.Ser224Tyr (NM_024793.3); short protein forms S409Y, S390Y, S224Y.
Identifiers: ClinVar variation 956540 (VCV000956540.9), dbSNP rs373508467, ClinGen allele CA276948805.

ClinVar aggregate classification (germline): Uncertain significance (1 of 4 stars; one submission).

Allele frequency attached by ClinVar (database versions not stated): gnomAD exomes below 0.00001; gnomAD 0.00003 and 0.00004; TOPMed 0.00004; ESP Exome Variant Server 0.00008.
gnomAD v4.1: 7 of 1,614,042 alleles (0.00043%); highest among the groups gnomAD compares: African/African-American, 0.0067%; no homozygotes.

Submission:

Labcorp Genetics (formerly Invitae), Labcorp
Classification: Uncertain significance. Last evaluated: 2022-09-06. Review status: criteria provided, single submitter. Criteria: Invitae Variant Classification Sherloc (09022015). Collection method: clinical testing. Allele origin: germline.
Comment: In summary, the available evidence is currently insufficient to determine the role of this variant in disease. Therefore, it has been classified as a Variant of Uncertain Significance. Algorithms developed to predict the effect of missense changes on protein structure and function (SIFT, PolyPhen-2, Align-GVGD) all suggest that this variant is likely to be tolerated. ClinVar contains an entry for this variant (Variation ID: 956540). This variant has not been reported in the literature in individuals affected with CLUAP1-related conditions. This sequence change replaces serine, which is neutral and polar, with tyrosine, which is neutral and polar, at codon 390 of the CLUAP1 protein (p.Ser390Tyr). This variant is present in population databases (rs373508467, gnomAD 0.008%).